The following is an entry in ClinVar:

NM_003119.4(SPG7):c.1075G>A (p.Ala359Thr)

Gene: SPG7 (SPG7 matrix AAA peptidase subunit, paraplegin; plus strand). Cytogenetic location: 16q24.3.
Variant type: single nucleotide variant.
Coding change: c.1075G>A on transcript NM_003119.4 (MANE Select); coding-DNA position 1075, G replaced by A.
Protein change: p.Ala359Thr; replaces alanine 359 with threonine.
Molecular consequence: missense variant.
Genome position (GRCh38, 1-based): chr16:89,531,991, G>A. VCF-style: chr16-89531991-G-A. GRCh37 (hg19) VCF-style: chr16-89598399-G-A.
Other names: c.1075G>A, p.Ala359Thr (NM_001363850.1, NM_199367.3); short protein forms A359T.
Identifiers: ClinVar variation 3573733 (VCV003573733.1).

ClinVar aggregate classification (germline): Uncertain significance (1 of 4 stars; one submission).

Submission:

GeneDx
Classification: Uncertain significance. Last evaluated: 2024-07-16. Review status: criteria provided, single submitter. Criteria: GeneDx Variant Classification Process June 2021. Collection method: clinical testing. Allele origin: germline. Affected: yes.
Comment: Not observed at significant frequency in large population cohorts (gnomAD); In silico analysis supports that this missense variant has a deleterious effect on protein structure/function; Has not been previously published as pathogenic or benign to our knowledge; This variant is associated with the following publications: (PMID: 22571692)